The following is an entry in ClinVar:

ClinVar aggregate classification (germline): Uncertain significance (1 of 4 stars; one submission).

gnomAD v4.1: 21 of 1,208,739 alleles (0.0017%); highest among the groups gnomAD compares: East Asian, 0.024%; no homozygotes.

Submission:

Women's Health and Genetics/Laboratory Corporation of America, LabCorp
Classification: Uncertain significance. Last evaluated: 2025-06-03. Review status: criteria provided, single submitter. Criteria: LabCorp Variant Classification Summary - May 2015. Collection method: clinical testing. Allele origin: germline.
Comment: Variant summary: F8 c.6326G>A (p.Arg2109His) results in a non-conservative amino acid change in the encoded protein sequence. Algorithms developed to predict the effect of missense changes on protein structure and function all suggest that this variant is likely to be disruptive. The variant allele was found at a frequency of 6.5e-05 in 183307 control chromosomes (gnomAD). This frequency is not significantly higher than estimated for a pathogenic variant in F8 causing Factor VIII Deficiency (Hemophilia A) (6.5e-05 vs 0.0098), allowing no conclusion about variant significance. c.6326G>A has been observed in an individual(s) affected with Factor VIII Deficiency (Hemophilia A)(Johnsen_2022). This report does not provide unequivocal conclusions about association of the variant with Factor VIII Deficiency (Hemophilia A). To our knowledge, no experimental evidence demonstrating an impact on protein function has been reported. The following publication has been ascertained in the context of this evaluation (PMID: 35770352). No submitters have cited clinical-significance assessments for this variant to ClinVar. Based on the evidence outlined above, the variant was classified as uncertain significance.

Literature cited by the submitters: PubMed 35770352.

NM_000132.4(F8):c.6326G>A (p.Arg2109His)

Gene: F8 (coagulation factor VIII; minus strand). Cytogenetic location: Xq28.
Variant type: single nucleotide variant.
Coding change: c.6326G>A on transcript NM_000132.4 (MANE Select); coding-DNA position 6326, G replaced by A.
Protein change: p.Arg2109His; replaces arginine 2109 with histidine.
Molecular consequence: missense variant.
Genome position (GRCh38, 1-based): chrX:154,896,180, C>T on the plus strand (G>A on the coding strand, the complement: F8 is on the minus strand). VCF-style: chrX-154896180-C-T. GRCh37 (hg19) VCF-style: chrX-154124455-C-T.
Other names: short protein forms R2109H.
Identifiers: ClinVar variation 3907433 (VCV003907433.1).
Genomic context (GRCh38, chrX:154,896,180, plus strand): 5'-TTCCCATCAAGACTATACATGATGATAAACTGAGAGATGTAGAGGCTGGAGAACTTCTGA[C>T]GGGCACCCTGGGTCTTGATGCCGTGAATAATCATTGGTGCCAACAGATCCACCTACCAAT-3'
Protein context (NP_000123.1, residues 2099-2119): IIHGIKTQGA[Arg2109His]QKFSSLYISQ